The following is an entry in ClinVar:

NM_019885.4(CYP26B1):c.572G>A (p.Arg191His)

Gene: CYP26B1 (cytochrome P450 family 26 subfamily B member 1; minus strand). Cytogenetic location: 2p13.2.
Variant type: single nucleotide variant.
Coding change: c.572G>A on transcript NM_019885.4 (MANE Select); coding-DNA position 572, G replaced by A.
Protein change: p.Arg191His; replaces arginine 191 with histidine.
Molecular consequence: missense variant.
Genome position (GRCh38, 1-based): chr2:72,135,277, C>T on the plus strand (G>A on the coding strand, the complement: CYP26B1 is on the minus strand). VCF-style: chr2-72135277-C-T. GRCh37 (hg19) VCF-style: chr2-72362406-C-T.
Other names: c.347G>A, p.Arg116His (NM_001277742.2); short protein forms R191H, R116H.
Identifiers: ClinVar variation 719382 (VCV000719382.13), dbSNP rs76025186, ClinGen allele CA1708009.

ClinVar aggregate classification (germline): Conflicting classifications of pathogenicity. Review status: criteria provided, conflicting classifications (1 of 4 stars). 3 submissions from 3 submitters: Uncertain significance (1); Likely benign (1). 1 of the submissions does not count toward it. Last evaluated 2025-08-04.

Conditions:
CYP26B1-related disorder. Also called: CYP26B1-related condition.

Allele frequency attached by ClinVar (database versions not stated): ExAC 0.00098; TOPMed 0.00268; ESP Exome Variant Server 0.00277; gnomAD 0.00293 and 0.00305; 1000 Genomes Project 0.00379; 1000 Genomes Project 30x 0.00437.
gnomAD v4.1: 946 of 1,614,074 alleles (0.059%); highest among the groups gnomAD compares: African/African-American, 0.94%; 5 homozygotes.

Submissions (3):

Labcorp Genetics (formerly Invitae), Labcorp
Classification: Likely benign. Last evaluated: 2025-08-04. Review status: criteria provided, single submitter. Criteria: Invitae Variant Classification Sherloc (09022015). Collection method: clinical testing. Allele origin: germline.

GeneDx
Classification: Uncertain significance. Last evaluated: 2019-12-05. Review status: criteria provided, single submitter. Criteria: GeneDx Variant Classification Process June 2021. Collection method: clinical testing. Allele origin: germline. Affected: yes.
Comment: In silico analysis supports that this missense variant has a deleterious effect on protein structure/function; Has not been previously published as pathogenic or benign to our knowledge

PreventionGenetics, part of Exact Sciences
Classification: Benign for CYP26B1-related condition. Last evaluated: 2024-06-14. Review status: no assertion criteria provided. Collection method: clinical testing. Allele origin: germline. Not counted in ClinVar's aggregate classification.
Comment: This variant is classified as benign based on ACMG/AMP sequence variant interpretation guidelines (Richards et al. 2015 PMID: 25741868, with internal and published modifications).